The following is an entry in ClinVar:

NM_000053.4(ATP7B):c.2718T>C (p.Ala906=)

Gene: ATP7B (ATPase copper transporting beta; minus strand). Cytogenetic location: 13q14.3.
Variant type: single nucleotide variant.
Coding change: c.2718T>C on transcript NM_000053.4 (MANE Select); coding-DNA position 2718, T replaced by C.
Protein change: p.Ala906=; no amino-acid change (alanine 906 retained).
Molecular consequence: synonymous variant.
Genome position (GRCh38, 1-based): chr13:51,950,019, A>G on the plus strand (T>C on the coding strand, the complement: ATP7B is on the minus strand). VCF-style: chr13-51950019-A-G. GRCh37 (hg19) VCF-style: chr13-52524155-A-G.
Other names: c.2484T>C, p.Ala828= (NM_001406534.1, NM_001406538.1, NM_001330578.2 and 2 more transcripts); c.2718T>C, p.Ala906= (NM_001406535.1, NM_001406523.1, NM_001406525.1 and 7 more transcripts); c.2388T>C, p.Ala796= (NM_001406536.1); c.2574T>C, p.Ala858= (NM_001406537.1, NM_001406520.1, NM_001406521.1 and 1 more transcripts); c.2289T>C, p.Ala763= (NM_001406539.1); c.2466T>C, p.Ala822= (NM_001406540.1, NM_001406531.1, NM_001406532.1 and 1 more transcripts); c.2232T>C, p.Ala744= (NM_001406541.1, NM_001406542.1, NM_001406546.1 and 1 more transcripts); c.2370T>C, p.Ala790= (NM_001406543.1); and 8 more.
Identifiers: ClinVar variation 3071210 (VCV003071210.1), dbSNP rs976121134, ClinGen allele CA250085157.

ClinVar aggregate classification (germline): Likely benign (1 of 4 stars; one submission).

Conditions:
Wilson disease (WND). Also called: Wilson's disease. Identifiers: Orphanet 905, MedGen C0019202, MONDO:0010200, OMIM 277900. Disease mechanism: loss of function.

Allele frequency attached by ClinVar (database versions not stated): gnomAD exomes below 0.00001; TOPMed below 0.00001.
gnomAD v4.1: 2 of 1,614,214 alleles (0.00012%); highest among the groups gnomAD compares: Non-Finnish European, 0.000085%; no homozygotes.

Submission:

All of Us Research Program, National Institutes of Health
Classification: Likely benign for Wilson disease. Last evaluated: 2023-05-16. Review status: criteria provided, single submitter. Criteria: ACMG Guidelines, 2015. Collection method: clinical testing. Allele origin: germline. Inheritance: Autosomal recessive inheritance. Observed: 1 variant allele, 1 heterozygote.
Comment: This study involves interpretation of variants in research participants for the purpose of population health screening. Participant phenotype was not available at the time of variant classification. Additional details can be found in publication PMID: 35346344, PMCID: PMC8962531